The following is an entry in ClinVar:

NM_032242.4(PLXNA1):c.3244C>T (p.Arg1082Trp)

Gene: PLXNA1 (plexin A1; plus strand). Cytogenetic location: 3q21.3.
Variant type: single nucleotide variant.
Coding change: c.3244C>T on transcript NM_032242.4 (MANE Select); coding-DNA position 3244, C replaced by T.
Protein change: p.Arg1082Trp; replaces arginine 1082 with tryptophan.
Molecular consequence: missense variant.
Genome position (GRCh38, 1-based): chr3:127,017,005, C>T. VCF-style: chr3-127017005-C-T. GRCh37 (hg19) VCF-style: chr3-126735848-C-T.
Other names: short protein forms R1082W.
Identifiers: ClinVar variation 2472677 (VCV002472677.3), dbSNP rs1346443256, ClinGen allele CA354389945.

ClinVar aggregate classification (germline): Uncertain significance. Review status: criteria provided, multiple submitters, no conflicts (2 of 4 stars). 2 submissions from 2 submitters: Uncertain significance (2). Last evaluated 2026-02-10.

Conditions:
PLXNA1-related disorder. Also called: PLXNA1-related condition.

Allele frequency attached by ClinVar (database versions not stated): gnomAD exomes below 0.00001; TOPMed below 0.00001.
gnomAD v4.1: 6 of 1,613,524 alleles (0.00037%); highest among the groups gnomAD compares: Non-Finnish European, 0.00042%; no homozygotes.

Submissions (2):

PreventionGenetics, part of Exact Sciences
Classification: Uncertain significance for PLXNA1-related condition. Last evaluated: 2026-02-10. Review status: criteria provided, single submitter. Criteria: ACMG Guidelines, 2015. Collection method: clinical testing. Allele origin: germline.
Comment: The PLXNA1 c.3244C>T variant is predicted to result in the amino acid substitution p.Arg1082Trp. To our knowledge, this variant has not been reported in the literature. This variant is reported in 0.0046% of alleles in individuals of European (Finnish) descent in gnomAD. At this time, the clinical significance of this variant is uncertain due to the absence of conclusive functional and genetic evidence.

Ambry Genetics
Classification: Uncertain significance. Last evaluated: 2023-02-28. Review status: criteria provided, single submitter. Criteria: Ambry Variant Classification Scheme 2023. Collection method: clinical testing. Allele origin: germline.